The following is an entry in ClinVar:

ClinVar aggregate classification (germline): Uncertain significance (1 of 4 stars; one submission).

Conditions:
Hyperekplexia 2 (HKPX2). Identifiers: Orphanet 3197, MedGen C3553291, MONDO:0013828, OMIM 614619.

Allele frequency attached by ClinVar (database versions not stated): TOPMed below 0.00001.

Submission:

Labcorp Genetics (formerly Invitae), Labcorp
Classification: Uncertain significance for Hyperekplexia 2. Last evaluated: 2022-07-29. Review status: criteria provided, single submitter. Criteria: Invitae Variant Classification Sherloc (09022015). Collection method: clinical testing. Allele origin: germline.
Comment: This variant has not been reported in the literature in individuals affected with GLRB-related conditions. Advanced modeling of protein sequence and biophysical properties (such as structural, functional, and spatial information, amino acid conservation, physicochemical variation, residue mobility, and thermodynamic stability) performed at Invitae indicates that this missense variant is not expected to disrupt GLRB protein function. In summary, the available evidence is currently insufficient to determine the role of this variant in disease. Therefore, it has been classified as a Variant of Uncertain Significance. This variant is not present in population databases (gnomAD no frequency). This sequence change replaces serine, which is neutral and polar, with asparagine, which is neutral and polar, at codon 425 of the GLRB protein (p.Ser425Asn).

NM_000824.5(GLRB):c.1274G>A (p.Ser425Asn)

Gene: GLRB (glycine receptor beta; plus strand). Cytogenetic location: 4q32.1.
Variant type: single nucleotide variant.
Coding change: c.1274G>A on transcript NM_000824.5 (MANE Select); coding-DNA position 1274, G replaced by A.
Protein change: p.Ser425Asn; replaces serine 425 with asparagine.
Molecular consequence: missense variant. On other transcripts: 3 prime UTR variant (1).
Genome position (GRCh38, 1-based): chr4:157,170,508, G>A. VCF-style: chr4-157170508-G-A. GRCh37 (hg19) VCF-style: chr4-158091660-G-A.
Other names: c.1274G>A, p.Ser425Asn (NM_001166060.2); c.*69G>A (NM_001166061.2); short protein forms S425N.
Identifiers: ClinVar variation 1714065 (VCV001714065.5), dbSNP rs201031600, ClinGen allele CA109167785.
Genomic context (GRCh38, chr4:157,170,508, plus strand): 5'-GCAAAAAAGTTTGTACTTCTAAGTCTGATCTGAGATCTAATGACTTCAGCATTGTTGGAA[G>A]CTTACCAAGAGATTTTGAACTATCCAATTATGACTGCTATGGAAAACCCATTGAAGTTAA-3'
Protein context (NP_000815.1, residues 415-435): LRSNDFSIVG[Ser425Asn]LPRDFELSNY